The following is an entry in ClinVar:

ClinVar aggregate classification (germline): Benign. Review status: criteria provided, multiple submitters, no conflicts (2 of 4 stars). 2 submissions from 2 submitters: Benign (2). Last evaluated 2018-01-13.

Conditions:
Hepatic methionine adenosyltransferase deficiency. Also called: MAT I/III DEFICIENCY; Methionine adenosyltransferase deficiency; Deficiency of methionine adenosyltransferase; Isolated Persistent Hypermethioninemia. Identifiers: Orphanet 168598, MedGen C0268621, MeSH C564683, MONDO:0009607, OMIM 250850.

Allele frequency attached by ClinVar (database versions not stated): 1000 Genomes Project 30x 0.12711; TOPMed 0.12933; 1000 Genomes Project 0.12001; gnomAD 0.13138 and 0.12457; gnomAD exomes 0.10465.
gnomAD v4.1: 18,819 of 152,244 alleles (12%); highest among the groups gnomAD compares: African/African-American, 30%; 2,135 homozygotes.

Submissions (2):

Illumina Laboratory Services, Illumina
Classification: Benign for Hepatic methionine adenosyltransferase deficiency. Last evaluated: 2018-01-13. Review status: criteria provided, single submitter. Criteria: ICSL Variant Classification Criteria 13 December 2019. Collection method: clinical testing. Allele origin: germline.
Comment: This variant was observed in the ICSL laboratory as part of a predisposition screen in an ostensibly healthy population. It had not been previously curated by ICSL or reported in the Human Gene Mutation Database (HGMD: prior to June 1st, 2018), and was therefore a candidate for classification through an automated scoring system. Utilizing variant allele frequency, disease prevalence and penetrance estimates, and inheritance mode, an automated score was calculated to assess if this variant is too frequent to cause the disease. Based on the score and internal cut-off values, a variant classified as benign is not then subjected to further curation. The score for this variant resulted in a classification of benign for this disease.

Breakthrough Genomics
Classification: Benign. Review status: criteria provided, single submitter. Criteria: ACMG Guidelines, 2015. Collection method: not provided. Allele origin: germline. Inheritance: Autosomal dominant inheritance. Affected: yes.

NM_000429.3(MAT1A):c.*982A>T

Gene: MAT1A (methionine adenosyltransferase 1A; minus strand). Cytogenetic location: 10q22.3.
Variant type: single nucleotide variant.
Coding change: c.*982A>T on transcript NM_000429.3 (MANE Select); 982 bases downstream of the stop codon, A replaced by T.
Molecular consequence: 3 prime UTR variant.
Genome position (GRCh38, 1-based): chr10:80,272,799, T>A on the plus strand (A>T on the coding strand, the complement: MAT1A is on the minus strand). VCF-style: chr10-80272799-T-A. GRCh37 (hg19) VCF-style: chr10-82032555-T-A.
Identifiers: ClinVar variation 301165 (VCV000301165.6), dbSNP rs1934144, ClinGen allele CA10632475.